The following is an entry in ClinVar:

ClinVar aggregate classification (germline): Pathogenic (1 of 4 stars; one submission).

Conditions:
Episodic kinesigenic dyskinesia (EKD). Also called: Paroxysmal kinesigenic dyskinesia. Identifiers: Orphanet 98809, MedGen C1868682, MONDO:0044202.

Submission:

Labcorp Genetics (formerly Invitae), Labcorp
Classification: Pathogenic for Episodic kinesigenic dyskinesia. Last evaluated: 2020-05-27. Review status: criteria provided, single submitter. Criteria: Invitae Variant Classification Sherloc (09022015). Collection method: clinical testing. Allele origin: germline.
Comment: For these reasons, this variant has been classified as Pathogenic. Loss-of-function variants in PRRT2 are known to be pathogenic (PMID: 22623405, 22744660). This variant has not been reported in the literature in individuals with PRRT2-related conditions. This variant is not present in population databases (ExAC no frequency). This sequence change creates a premature translational stop signal (p.Pro168Leufs*8) in the PRRT2 gene. It is expected to result in an absent or disrupted protein product.

Literature cited by the submitters: PubMed 22623405; PubMed 22744660.

NM_145239.3(PRRT2):c.503del (p.Pro168fs)

Genes: MVP-DT (MVP divergent transcript; minus strand), PRRT2 (proline rich transmembrane protein 2; plus strand). Cytogenetic location: 16p11.2.
Variant type: Deletion.
Coding change: c.503del on transcript NM_145239.3 (MANE Select); coding-DNA position 503, one base deleted (C; older notation c.503delC).
Protein change: p.Pro168fs; shifts the reading frame from proline 168.
Molecular consequence: frameshift variant.
Genome position (GRCh38, 1-based): chr16:29,813,557, C deleted; the last of 4 consecutive C bases (chr16:29,813,554-29,813,557); deleting any one gives the same sequence. VCF-style (leftmost placement, unchanged base first): chr16-29813553-AC-A. GRCh37 (hg19) VCF-style: chr16-29824874-AC-A.
Other names: c.503del, p.Pro168fs (NM_001256442.2, NM_001256443.2); short protein forms P168fs.
Identifiers: ClinVar variation 1070362 (VCV001070362.7), dbSNP rs2142424961, ClinGen allele CA2499223479.